The following is an entry in ClinVar:

NM_001098.3(ACO2):c.1033-2A>T

Gene: ACO2 (aconitase 2; plus strand). Cytogenetic location: 22q13.2.
Variant type: single nucleotide variant.
Coding change: c.1033-2A>T on transcript NM_001098.3 (MANE Select); the canonical splice acceptor site of the intron before coding-DNA position 1033, A replaced by T.
Molecular consequence: splice acceptor variant.
Genome position (GRCh38, 1-based): chr22:41,520,169, A>T. VCF-style: chr22-41520169-A-T. GRCh37 (hg19) VCF-style: chr22-41916173-A-T.
Identifiers: ClinVar variation 1503732 (VCV001503732.8), dbSNP rs2146130891, ClinGen allele CA411723769.

ClinVar aggregate classification (germline): Likely pathogenic (1 of 4 stars; one submission).

Allele frequency attached by ClinVar (database versions not stated): gnomAD exomes below 0.00001.
gnomAD v4.1: 1 of 1,611,272 alleles (0.000062%); highest among the groups gnomAD compares: Non-Finnish European, 0.000085%; no homozygotes.

Submission:

Labcorp Genetics (formerly Invitae), Labcorp
Classification: Likely pathogenic. Last evaluated: 2022-11-04. Review status: criteria provided, single submitter. Criteria: Invitae Variant Classification Sherloc (09022015). Collection method: clinical testing. Allele origin: germline.
Comment: In summary, the currently available evidence indicates that the variant is pathogenic, but additional data are needed to prove that conclusively. Therefore, this variant has been classified as Likely Pathogenic. Algorithms developed to predict the effect of sequence changes on RNA splicing suggest that this variant may disrupt the consensus splice site. ClinVar contains an entry for this variant (Variation ID: 1503732). This variant has not been reported in the literature in individuals affected with ACO2-related conditions. This variant is not present in population databases (gnomAD no frequency). This sequence change affects an acceptor splice site in intron 8 of the ACO2 gene. It is expected to disrupt RNA splicing. Variants that disrupt the donor or acceptor splice site typically lead to a loss of protein function (PMID: 16199547), and loss-of-function variants in ACO2 are known to be pathogenic (PMID: 30689204, 32519519).

Literature cited by the submitters: PubMed 16199547; PubMed 30689204; PubMed 32519519.